The following is an entry in ClinVar:

ClinVar aggregate classification (germline): Pathogenic (1 of 4 stars; one submission).

Submission:

Labcorp Genetics (formerly Invitae), Labcorp
Classification: Pathogenic. Last evaluated: 2025-12-30. Review status: criteria provided, single submitter. Criteria: Invitae Variant Classification Sherloc (09022015). Collection method: clinical testing. Allele origin: germline.
Comment: This sequence change replaces glycine, which is neutral and non-polar, with aspartic acid, which is acidic and polar, at codon 397 of the COL4A5 protein (p.Gly397Asp). This variant is not present in population databases (gnomAD no frequency). This missense change has been observed in individuals with clinical features of Alport syndrome (PMID: 35020912; internal data). ClinVar contains an entry for this variant (Variation ID: 2850977). Invitae Evidence Modeling of protein sequence and biophysical properties (such as structural, functional, and spatial information, amino acid conservation, physicochemical variation, residue mobility, and thermodynamic stability) indicates that this missense variant is expected to disrupt COL4A5 protein function with a positive predictive value of 95%. This variant disrupts the triple helix domain of COL4A5. Glycine residues within the Gly-Xaa-Yaa repeats of the triple helix domain are required for the structure and stability of fibrillar collagens (PMID: 7695699, 8218237, 19344236). In COL4A5, missense variants at these glycine residues are significantly enriched in individuals with disease (PMID: 23720012, 27627812) compared to the general population (ExAC). This variant disrupts the p.Gly397 amino acid residue in COL4A5. Other variant(s) that disrupt this residue have been observed in individuals with COL4A5-related conditions (PMID: 28780565), which suggests that this may be a clinically significant amino acid residue. For these reasons, this variant has been classified as Pathogenic.

Literature cited by the submitters: PubMed 35020912; PubMed 7695699; PubMed 8218237; PubMed 19344236; PubMed 23720012; PubMed 27627812; PubMed 28780565.

NM_033380.3(COL4A5):c.1190G>A (p.Gly397Asp)

Gene: COL4A5 (collagen type IV alpha 5 chain; plus strand). Cytogenetic location: Xq22.3.
Variant type: single nucleotide variant.
Coding change: c.1190G>A on transcript NM_033380.3 (MANE Select); coding-DNA position 1190, G replaced by A.
Protein change: p.Gly397Asp; replaces glycine 397 with aspartic acid.
Molecular consequence: missense variant.
Genome position (GRCh38, 1-based): chrX:108,591,082, G>A. VCF-style: chrX-108591082-G-A. GRCh37 (hg19) VCF-style: chrX-107834312-G-A.
Other names: c.1190G>A, p.Gly397Asp (NM_000495.5); short protein forms G397D.
Identifiers: ClinVar variation 2850977 (VCV002850977.3), dbSNP rs2147796671, ClinGen allele CA413932208.